The following is an entry in ClinVar:

NM_012254.3(SLC27A5):c.1152G>C (p.Glu384Asp)

Gene: SLC27A5 (solute carrier family 27 member 5; minus strand). Cytogenetic location: 19q13.43.
Variant type: single nucleotide variant.
Coding change: c.1152G>C on transcript NM_012254.3 (MANE Select); coding-DNA position 1152, G replaced by C.
Protein change: p.Glu384Asp; replaces glutamic acid 384 with aspartic acid.
Molecular consequence: missense variant.
Genome position (GRCh38, 1-based): chr19:58,501,316, C>G on the plus strand (G>C on the coding strand, the complement: SLC27A5 is on the minus strand). VCF-style: chr19-58501316-C-G. GRCh37 (hg19) VCF-style: chr19-59012683-C-G.
Other names: c.900G>C, p.Glu300Asp (NM_001321196.2); short protein forms E300D, E384D.
Identifiers: ClinVar variation 4993435 (VCV004993435.1).
Genomic context (GRCh38, chr19:58,501,316, plus strand): 5'-CACCATGGAGCCCTAATCTTAGAGCCTCACCTGGGGAATGTTACACAAGTACCGCAGGAG[C>G]TCGCCCACATACAGGATCACTGTCACGCCATGCTGCCGACAGTCATCCCAGAAGCAGGAA-3'
Protein context (NP_036386.1, residues 374-394): HGVTVILYVG[Glu384Asp]LLRYLCNIPQ

ClinVar aggregate classification (germline): Uncertain significance (1 of 4 stars; one submission).

Conditions:
SLC27A5-related disorder. Also called: SLC27A5-related condition.

Submission:

PreventionGenetics, part of Exact Sciences
Classification: Uncertain significance for SLC27A5-related condition. Last evaluated: 2025-11-04. Review status: criteria provided, single submitter. Criteria: ACMG Guidelines, 2015. Collection method: clinical testing. Allele origin: germline.
Comment: The SLC27A5 c.1152G>C variant is predicted to result in the amino acid substitution p.Glu384Asp. To our knowledge, this variant has not been reported in the literature or in a large population database (gnomAD), indicating this variant is rare. At this time, the clinical significance of this variant is uncertain due to the absence of conclusive functional and genetic evidence.